The following is an entry in ClinVar:

NM_004482.4(GALNT3):c.718G>C (p.Val240Leu)

Gene: GALNT3 (polypeptide N-acetylgalactosaminyltransferase 3; minus strand). Cytogenetic location: 2q24.3.
Variant type: single nucleotide variant.
Coding change: c.718G>C on transcript NM_004482.4 (MANE Select); coding-DNA position 718, G replaced by C.
Protein change: p.Val240Leu; replaces valine 240 with leucine.
Molecular consequence: missense variant.
Genome position (GRCh38, 1-based): chr2:165,762,025, C>G on the plus strand (G>C on the coding strand, the complement: GALNT3 is on the minus strand). VCF-style: chr2-165762025-C-G. GRCh37 (hg19) VCF-style: chr2-166618535-C-G.
Other names: short protein forms V240L.
Identifiers: ClinVar variation 331783 (VCV000331783.10), dbSNP rs146978168, ClinGen allele CA1941139.

ClinVar aggregate classification (germline): Conflicting classifications of pathogenicity. Review status: criteria provided, conflicting classifications (1 of 4 stars). 5 submissions from 5 submitters: Uncertain significance (4); Likely benign (1). Last evaluated 2024-05-15.

Conditions:
Inborn genetic diseases. Identifiers: MedGen C0950123, MeSH D030342.
Tumoral calcinosis, hyperphosphatemic, familial, 1. Also called: LIPOCALCINOGRANULOMATOSIS; MORBUS TEUTSCHLAENDER; TEUTSCHLAENDER DISEASE, FAMILIAL; TUMORAL CALCINOSIS, PRIMARY HYPERPHOSPHATEMIC; CALCINOSIS, TUMORAL, WITH HYPERPHOSPHATEMIA; HYPEROSTOSIS WITH HYPERPHOSPHATEMIA. Identifiers: Orphanet 53715, MedGen C4692564, MONDO:0100252, OMIM 211900.

Allele frequency attached by ClinVar (database versions not stated): gnomAD 0.00013; TOPMed 0.00022; ESP Exome Variant Server 0.00023; gnomAD exomes 0.00027.
gnomAD v4.1: 419 of 1,585,866 alleles (0.026%); highest among the groups gnomAD compares: Non-Finnish European, 0.035%; no homozygotes.

Submissions (5):

Ambry Genetics
Classification: Likely benign for Inborn genetic diseases. Last evaluated: 2024-05-15. Review status: criteria provided, single submitter. Criteria: Ambry Variant Classification Scheme 2023. Collection method: clinical testing. Allele origin: germline.

Labcorp Genetics (formerly Invitae), Labcorp
Classification: Uncertain significance. Last evaluated: 2022-07-26. Review status: criteria provided, single submitter. Criteria: Invitae Variant Classification Sherloc (09022015). Collection method: clinical testing. Allele origin: germline.
Comment: This sequence change replaces valine, which is neutral and non-polar, with leucine, which is neutral and non-polar, at codon 240 of the GALNT3 protein (p.Val240Leu). This variant is present in population databases (rs146978168, gnomAD 0.02%). This variant has not been reported in the literature in individuals affected with GALNT3-related conditions. ClinVar contains an entry for this variant (Variation ID: 331783). Algorithms developed to predict the effect of missense changes on protein structure and function (SIFT, PolyPhen-2, Align-GVGD) all suggest that this variant is likely to be tolerated. In summary, the available evidence is currently insufficient to determine the role of this variant in disease. Therefore, it has been classified as a Variant of Uncertain Significance.

Fulgent Genetics
Classification: Uncertain significance for Tumoral calcinosis, hyperphosphatemic, familial, 1. Last evaluated: 2022-04-27. Review status: criteria provided, single submitter. Criteria: ACMG Guidelines, 2015. Collection method: clinical testing. Allele origin: unknown.

Illumina Laboratory Services, Illumina
Classification: Uncertain significance for Tumoral calcinosis, hyperphosphatemic, familial, 1. Last evaluated: 2018-01-13. Review status: criteria provided, single submitter. Criteria: ICSL Variant Classification Criteria 13 December 2019. Collection method: clinical testing. Allele origin: germline.

Breakthrough Genomics
Classification: Uncertain significance. Review status: criteria provided, single submitter. Criteria: ACMG Guidelines, 2015. Collection method: not provided. Allele origin: germline. Inheritance: Autosomal recessive inheritance. Affected: yes.